The following is an entry in ClinVar:

NM_005045.4(RELN):c.4893C>G (p.Asp1631Glu)

Gene: RELN (reelin; minus strand). Cytogenetic location: 7q22.1.
Variant type: single nucleotide variant.
Coding change: c.4893C>G on transcript NM_005045.4 (MANE Select); coding-DNA position 4893, C replaced by G.
Protein change: p.Asp1631Glu; replaces aspartic acid 1631 with glutamic acid.
Molecular consequence: missense variant.
Genome position (GRCh38, 1-based): chr7:103,566,267, G>C on the plus strand (C>G on the coding strand, the complement: RELN is on the minus strand). VCF-style: chr7-103566267-G-C. GRCh37 (hg19) VCF-style: chr7-103206714-G-C.
Other names: c.4893C>G, p.Asp1631Glu (NM_173054.3); short protein forms D1631E.
Identifiers: ClinVar variation 436528 (VCV000436528.52), dbSNP rs201296719, ClinGen allele CA4421386.
Genomic context (GRCh38, chr7:103,566,267, plus strand): 5'-CTGGTGACAATATATACCTATGTTTTCAGTGAATATCAGAGCAGTATCCATAGAGAGACA[G>C]TCAATATCAACTTGACCTCCTTGGATTCGATACCAGTTGGCTTGCAAATCTATAGAGCCA-3'
Protein context (NP_005036.2, residues 1621-1641): YRIQGGQVDI[Asp1631Glu]CLSMDTALIF

ClinVar aggregate classification (germline): Conflicting classifications of pathogenicity. Review status: criteria provided, conflicting classifications (1 of 4 stars). 6 submissions from 6 submitters: Uncertain significance (4); Benign (1). 1 of the submissions does not count toward it. Last evaluated 2025-12-01.

Conditions:
Norman-Roberts syndrome (LIS2). Also called: Lissencephaly 2 (Norman-Roberts type). Identifiers: Orphanet 89844, MedGen C0796089, MONDO:0009760, OMIM 257320.
Familial temporal lobe epilepsy 7. Identifiers: Orphanet 101046, MedGen C4225327, MONDO:0014639, OMIM 616436.

Allele frequency attached by ClinVar (database versions not stated): gnomAD 0.00014; TOPMed 0.00023; 1000 Genomes Project 0.00040; 1000 Genomes Project 30x 0.00047; gnomAD exomes 0.00004 and 0.00010; ExAC 0.00007; ESP Exome Variant Server 0.00008.
gnomAD v4.1: 103 of 1,613,948 alleles (0.0064%); highest among the groups gnomAD compares: Admixed American, 0.03%; 1 homozygote.

Submissions (6):

Labcorp Genetics (formerly Invitae), Labcorp
Classification: Benign for Familial temporal lobe epilepsy 7; Norman-Roberts syndrome. Last evaluated: 2025-12-01. Review status: criteria provided, single submitter. Criteria: Invitae Variant Classification Sherloc (09022015). Collection method: clinical testing. Allele origin: germline.

Blueprint Genetics
Classification: Uncertain significance. Last evaluated: 2023-11-23. Review status: criteria provided, single submitter. Criteria: ACMG Guidelines, 2015. Collection method: clinical testing. Allele origin: germline.

GeneDx
Classification: Uncertain significance. Last evaluated: 2022-08-03. Review status: criteria provided, single submitter. Criteria: GeneDx Variant Classification Process June 2021. Collection method: clinical testing. Allele origin: germline. Affected: yes.
Comment: In silico analysis supports that this missense variant does not alter protein structure/function; This variant is associated with the following publications: (PMID: 24448499, 30181556, 28404951)

CeGaT Center for Human Genetics Tuebingen
Classification: Uncertain significance. Last evaluated: 2021-12-01. Review status: criteria provided, single submitter. Criteria: CeGaT Center For Human Genetics Tuebingen Variant Classification Criteria Version 2. Collection method: clinical testing. Allele origin: germline. Affected: yes. Observed: 1 variant allele.

Genetic Services Laboratory, University of Chicago
Classification: Uncertain significance. Last evaluated: 2015-11-05. Review status: criteria provided, single submitter. Criteria: ACMG Guidelines, 2015. Collection method: clinical testing. Allele origin: germline. Affected: no.

Department of Pathology and Laboratory Medicine, Sinai Health System
Classification: Uncertain significance. Review status: no assertion criteria provided. Collection method: clinical testing. Allele origin: unknown. Affected: yes. Study: The Canadian Open Genetics Repository (COGR). Not counted in ClinVar's aggregate classification.
Comment: The RELN p.Asp1631Glu variant was not identified in the literature nor was it identified in Cosmic or LOVD 3.0. The variant was identified in dbSNP (ID: rs201296719, Uncertain significance) and in ClinVar (classified as a VUS by the Genetic Services Laboratory at the University of Chicago in 2015 and by Invitae in 2018). The variant was identified in control databases in 29 of 282000 chromosomes at a frequency of 0.000103 (Genome Aggregation Database Feb 27, 2017). The variant was observed in the following populations: Ashkenazi Jewish in 15 of 10342 chromosomes (freq: 0.00145), Other in 3 of 7196 chromosomes (freq: 0.000417), Latino in 7 of 35390 chromosomes (freq: 0.000198) and European (non-Finnish) in 4 of 128492 chromosomes (freq: 0.000031); it was not observed in the African, East Asian, European (Finnish), and South Asian populations. The p.Asp1631 residue is conserved in mammals and other organisms however computational analyses (PolyPhen-2, SIFT, AlignGVGD, BLOSUM, MutationTaster) provide inconsistent predictions regarding the impact to the protein; this information is not very predictive of pathogenicity. The variant occurs outside of the splicing consensus sequence and in silico or computational prediction software programs (SpliceSiteFinder, MaxEntScan, NNSPLICE, GeneSplicer) do not predict a difference in splicing. In summary, based on the above information the clinical significance of this variant cannot be determined with certainty at this time. This variant is classified as a variant of uncertain significance.